The following is an entry in ClinVar:

NM_004725.4(BUB3):c.425C>T (p.Thr142Ile)

Gene: BUB3 (BUB3 mitotic checkpoint protein; plus strand). Cytogenetic location: 10q26.13.
Variant type: single nucleotide variant.
Coding change: c.425C>T on transcript NM_004725.4 (MANE Select); coding-DNA position 425, C replaced by T.
Protein change: p.Thr142Ile; replaces threonine 142 with isoleucine.
Molecular consequence: missense variant.
Genome position (GRCh38, 1-based): chr10:123,160,414, C>T. VCF-style: chr10-123160414-C-T. GRCh37 (hg19) VCF-style: chr10-124919930-C-T.
Other names: c.425C>T, p.Thr142Ile (NM_001007793.3); short protein forms T142I.
Identifiers: ClinVar variation 3262291 (VCV003262291.1).

ClinVar aggregate classification (germline): Uncertain significance (1 of 4 stars; one submission).

Submission:

Ambry Genetics
Classification: Uncertain significance. Last evaluated: 2024-04-26. Review status: criteria provided, single submitter. Criteria: Ambry Variant Classification Scheme 2023. Collection method: clinical testing. Allele origin: germline.
Comment: The p.T142I variant (also known as c.425C>T), located in coding exon 4 of the BUB3 gene, results from a C to T substitution at nucleotide position 425. The threonine at codon 142 is replaced by isoleucine, an amino acid with similar properties. This amino acid position is conserved. In addition, this alteration is predicted to be deleterious by in silico analysis. Based on the available evidence, the clinical significance of this variant remains unclear.